The following is an entry in ClinVar:

ClinVar aggregate classification (germline): Uncertain significance (1 of 4 stars; one submission).

Conditions:
Cystic fibrosis (CF). Also called: MUCOVISCIDOSIS. Identifiers: Orphanet 586, MedGen C0010674, MONDO:0009061, OMIM 219700. Disease mechanism: loss of function.

Submission:

Ambry Genetics
Classification: Uncertain significance for Cystic fibrosis. Last evaluated: 2022-04-03. Review status: criteria provided, single submitter. Criteria: Ambry Variant Classification Scheme 2023. Collection method: clinical testing. Allele origin: germline.
Comment: The p.R104T variant (also known as c.311G>C), located in coding exon 4 of the CFTR gene, results from a G to C substitution at nucleotide position 311. The arginine at codon 104 is replaced by threonine, an amino acid with similar properties. This amino acid position is conserved. In addition, this alteration is predicted to be deleterious by in silico analysis. Since supporting evidence is limited at this time, the clinical significance of this alteration remains unclear.

NM_000492.4(CFTR):c.311G>C (p.Arg104Thr)

Gene: CFTR (CF transmembrane conductance regulator; plus strand). Cytogenetic location: 7q31.2.
Variant type: single nucleotide variant.
Coding change: c.311G>C on transcript NM_000492.4 (MANE Select); coding-DNA position 311, G replaced by C.
Protein change: p.Arg104Thr; replaces arginine 104 with threonine.
Molecular consequence: missense variant.
Genome position (GRCh38, 1-based): chr7:117,530,936, G>C. VCF-style: chr7-117530936-G-C. GRCh37 (hg19) VCF-style: chr7-117170990-G-C.
Other names: short protein forms R104T.
Identifiers: ClinVar variation 1727850 (VCV001727850.2), dbSNP rs1014161183, ClinGen allele CA368974317.